The following is an entry in ClinVar:

NM_016247.4(IMPG2):c.502-2A>G

Gene: IMPG2 (interphotoreceptor matrix proteoglycan 2; minus strand). Cytogenetic location: 3q12.3.
Variant type: single nucleotide variant.
Coding change: c.502-2A>G on transcript NM_016247.4 (MANE Select); the canonical splice acceptor site of the intron before coding-DNA position 502, A replaced by G.
Molecular consequence: splice acceptor variant.
Genome position (GRCh38, 1-based): chr3:101,291,512, T>C on the plus strand (A>G on the coding strand, the complement: IMPG2 is on the minus strand). VCF-style: chr3-101291512-T-C. GRCh37 (hg19) VCF-style: chr3-101010356-T-C.
Identifiers: ClinVar variation 1067101 (VCV001067101.8), dbSNP rs2107126517, ClinGen allele CA353847092.

ClinVar aggregate classification (germline): Likely pathogenic. Review status: criteria provided, multiple submitters, no conflicts (2 of 4 stars). 2 submissions from 2 submitters: Likely pathogenic (2). Last evaluated 2022-04-22.

Conditions:
IMPG2-related disorders.

Allele frequency attached by ClinVar (database versions not stated): gnomAD exomes 0.00001.
gnomAD v4.1: 10 of 1,611,318 alleles (0.00062%); highest among the groups gnomAD compares: Non-Finnish European, 0.00076%; no homozygotes.

Submissions (2):

Blueprint Genetics
Classification: Likely pathogenic for IMPG2-related disorders. Last evaluated: 2022-04-22. Review status: criteria provided, single submitter. Criteria: ACMG Guidelines, 2015. Collection method: clinical testing. Allele origin: germline. Affected: yes. Observed: 3 variant alleles.

Labcorp Genetics (formerly Invitae), Labcorp
Classification: Likely pathogenic. Last evaluated: 2020-01-20. Review status: criteria provided, single submitter. Criteria: Invitae Variant Classification Sherloc (09022015). Collection method: clinical testing. Allele origin: germline.
Comment: Algorithms developed to predict the effect of sequence changes on RNA splicing suggest that this variant may disrupt the consensus splice site, but this prediction has not been confirmed by published transcriptional studies. This variant has not been reported in the literature in individuals with IMPG2-related conditions. This variant is not present in population databases (ExAC no frequency). This sequence change affects an acceptor splice site in intron 3 of the IMPG2 gene. It is expected to disrupt RNA splicing and likely results in an absent or disrupted protein product. In summary, the currently available evidence indicates that the variant is pathogenic, but additional data are needed to prove that conclusively. Therefore, this variant has been classified as Likely Pathogenic. Donor and acceptor splice site variants typically lead to a loss of protein function (PMID: 16199547), and loss-of-function variants in IMPG2 are known to be pathogenic (PMID: 20673862).

Literature cited by the submitters: PubMed 16199547 (cited by Labcorp Genetics (formerly Invitae), Labcorp); PubMed 20673862 (cited by Labcorp Genetics (formerly Invitae), Labcorp).